The following is an entry in ClinVar:

ClinVar aggregate classification (germline): Benign (3 of 4 stars; one submission).

Conditions:
Breast-ovarian cancer, familial, susceptibility to, 2 (BROVCA2). Also called: BRCA2 Hereditary Breast and Ovarian Cancer. Identifiers: Orphanet 145, MedGen C2675520, MONDO:0012933, OMIM 612555. Disease mechanism: loss of function.

Submission:

Evidence-based Network for the Interpretation of Germline Mutant Alleles (ENIGMA)
Classification: Benign for Breast-ovarian cancer, familial, susceptibility to, 2. Last evaluated: 2016-09-28. Review status: reviewed by expert panel. Criteria: ENIGMA BRCA1/2 Classification Criteria (2015). Collection method: curation. Allele origin: germline.
Comment: Class 1 not pathogenic based on frequency >1% in an outbred sampleset. Frequency 0.3559 (European), 0.2897 (African), 0.3573 (Admixed American/Latino), 0.374 (East Asian), 0.364 (South Asian), derived from 1000 genomes (2013-05-02).

NM_000059.4(BRCA2):c.9257-2082del

Gene: BRCA2 (BRCA2 DNA repair associated; plus strand). Cytogenetic location: 13q13.1.
Variant type: Deletion.
Coding change: c.9257-2082del on transcript NM_000059.4 (MANE Select); 2082 bases into the intron before coding-DNA position 9257, one base deleted (A; older notation c.9257-2082delA).
Molecular consequence: intron variant.
Genome position (GRCh38, 1-based): chr13:32,392,607, A deleted; the last of 18 consecutive A bases (chr13:32,392,590-32,392,607); deleting any one gives the same sequence. VCF-style (leftmost placement, unchanged base first): chr13-32392589-CA-C. GRCh37 (hg19) VCF-style: chr13-32966726-CA-C.
Identifiers: ClinVar variation 264928 (VCV000264928.1), dbSNP rs10577567, ClinGen allele CA10588172.